The following is an entry in ClinVar:

NM_001018113.3(FANCB):c.1670A>T (p.Asp557Val)

Gene: FANCB (FA complementation group B; minus strand). Cytogenetic location: Xp22.2.
Variant type: single nucleotide variant.
Coding change: c.1670A>T on transcript NM_001018113.3 (MANE Select); coding-DNA position 1670, A replaced by T.
Protein change: p.Asp557Val; replaces aspartic acid 557 with valine.
Molecular consequence: missense variant.
Genome position (GRCh38, 1-based): chrX:14,845,113, T>A on the plus strand (A>T on the coding strand, the complement: FANCB is on the minus strand). VCF-style: chrX-14845113-T-A. GRCh37 (hg19) VCF-style: chrX-14863235-T-A.
Other names: c.1670A>T, p.Asp557Val (NM_001324162.2, NM_152633.4); c.1670A>T (NM_001018113.1); short protein forms D557V.
Identifiers: ClinVar variation 1467487 (VCV001467487.8), dbSNP rs1336185048, ClinGen allele CA412439959.

ClinVar aggregate classification (germline): Uncertain significance. Review status: criteria provided, multiple submitters, no conflicts (2 of 4 stars). 3 submissions from 3 submitters: Uncertain significance (3). Last evaluated 2024-06-09.

Conditions:
Inborn genetic diseases. Identifiers: MedGen C0950123, MeSH D030342.
Fanconi anemia (FA). Also called: Fanconi's anemia. Identifiers: Orphanet 84, MedGen C0015625, MeSH D005199, MONDO:0019391.
Fanconi anemia complementation group B (FANCB). Also called: FANCB-Related Fanconi Anemia; FANCONI PANCYTOPENIA, TYPE 2. Identifiers: Orphanet 84, MedGen C1845292, MONDO:0010351, OMIM 300514.

Allele frequency attached by ClinVar (database versions not stated): gnomAD 0.00001; gnomAD exomes 0.00001; TOPMed 0.00001.
gnomAD v4.1: 7 of 1,209,691 alleles (0.00058%); highest among the groups gnomAD compares: Non-Finnish European, 0.00078%; no homozygotes.

Submissions (3):

Fulgent Genetics
Classification: Uncertain significance for Fanconi anemia complementation group B. Last evaluated: 2024-06-09. Review status: criteria provided, single submitter. Criteria: ACMG Guidelines, 2015. Collection method: clinical testing. Allele origin: germline.

Labcorp Genetics (formerly Invitae), Labcorp
Classification: Uncertain significance for Fanconi anemia. Last evaluated: 2023-09-21. Review status: criteria provided, single submitter. Criteria: Invitae Variant Classification Sherloc (09022015). Collection method: clinical testing. Allele origin: germline.
Comment: In summary, the available evidence is currently insufficient to determine the role of this variant in disease. Therefore, it has been classified as a Variant of Uncertain Significance. Advanced modeling of protein sequence and biophysical properties (such as structural, functional, and spatial information, amino acid conservation, physicochemical variation, residue mobility, and thermodynamic stability) has been performed at Invitae for this missense variant, however the output from this modeling did not meet the statistical confidence thresholds required to predict the impact of this variant on FANCB protein function. ClinVar contains an entry for this variant (Variation ID: 1467487). This variant has not been reported in the literature in individuals affected with FANCB-related conditions. This variant is present in population databases (no rsID available, gnomAD 0.001%). This sequence change replaces aspartic acid, which is acidic and polar, with valine, which is neutral and non-polar, at codon 557 of the FANCB protein (p.Asp557Val).

Ambry Genetics
Classification: Uncertain significance for Inborn genetic diseases. Last evaluated: 2022-03-16. Review status: criteria provided, single submitter. Criteria: Ambry Variant Classification Scheme 2023. Collection method: clinical testing. Allele origin: germline.